The following is an entry in ClinVar:

ClinVar aggregate classification (germline): Uncertain significance. Review status: criteria provided, multiple submitters, no conflicts (2 of 4 stars). 3 submissions from 3 submitters: Uncertain significance (3). Last evaluated 2023-08-22.

Conditions:
Inborn genetic diseases. Identifiers: MedGen C0950123, MeSH D030342.
Angelman syndrome (AS). Also called: HAPPY PUPPET SYNDROME. Identifiers: Orphanet 72, MedGen C0162635, MONDO:0007113, OMIM 105830. Disease mechanism: loss of function. Inheritance: AS is caused by disruption of maternally imprinted UBE3A located within the 15q11.2-q13 Angelman syndrome/Prader-Willi syndrome (AS/PWS) region., imprinting disorder.

Allele frequency attached by ClinVar (database versions not stated): gnomAD exomes below 0.00001; ExAC 0.00001.
gnomAD v4.1: 1 of 1,614,176 alleles (0.000062%); highest among the groups gnomAD compares: African/African-American, 0.0013%; no homozygotes.

Submissions (3):

Revvity Omics, Revvity
Classification: Uncertain significance for Angelman syndrome. Last evaluated: 2023-08-22. Review status: criteria provided, single submitter. Criteria: ACMG Guidelines, 2015. Collection method: clinical testing. Allele origin: germline.

Labcorp Genetics (formerly Invitae), Labcorp
Classification: Uncertain significance for Angelman syndrome. Last evaluated: 2023-08-20. Review status: criteria provided, single submitter. Criteria: Invitae Variant Classification Sherloc (09022015). Collection method: clinical testing. Allele origin: germline.
Comment: This sequence change replaces tyrosine, which is neutral and polar, with serine, which is neutral and polar, at codon 73 of the UBE3A protein (p.Tyr73Ser). This variant is present in population databases (rs772952625, gnomAD 0.007%). This variant has not been reported in the literature in individuals affected with UBE3A-related conditions. ClinVar contains an entry for this variant (Variation ID: 521156). Advanced modeling of protein sequence and biophysical properties (such as structural, functional, and spatial information, amino acid conservation, physicochemical variation, residue mobility, and thermodynamic stability) has been performed at Invitae for this missense variant, however the output from this modeling did not meet the statistical confidence thresholds required to predict the impact of this variant on UBE3A protein function. In summary, the available evidence is currently insufficient to determine the role of this variant in disease. Therefore, it has been classified as a Variant of Uncertain Significance.

Ambry Genetics
Classification: Uncertain significance for Inborn genetic diseases. Last evaluated: 2016-11-28. Review status: criteria provided, single submitter. Criteria: Ambry exome assertion method (8-5-2015). Collection method: clinical testing. Allele origin: germline. Affected: yes. Observed: 1 variant allele.

NM_130839.5(UBE3A):c.278A>C (p.Tyr93Ser)

Genes: SNHG14 (small nucleolar RNA host gene 14; plus strand), UBE3A (ubiquitin protein ligase E3A; minus strand). Cytogenetic location: 15q11.2.
Variant type: single nucleotide variant.
Coding change: c.278A>C on transcript NM_130839.5 (MANE Select); coding-DNA position 278, A replaced by C.
Protein change: p.Tyr93Ser; replaces tyrosine 93 with serine.
Molecular consequence: missense variant. On other transcripts: non-coding transcript variant (1).
Genome position (GRCh38, 1-based): chr15:25,375,548, T>G on the plus strand (A>C on the coding strand, the complement: UBE3A is on the minus strand). VCF-style: chr15-25375548-T-G. GRCh37 (hg19) VCF-style: chr15-25620695-T-G.
Other names: c.287A>C, p.Tyr96Ser (NM_000462.5); c.278A>C, p.Tyr93Ser (NM_001354505.1, NM_001354538.2, NM_001354545.2 and 1 more transcripts); c.218A>C, p.Tyr73Ser (NM_001354506.2, NM_001354507.2, NM_001354508.2 and 18 more transcripts); c.101A>C, p.Tyr34Ser (NM_001354546.2); short protein forms Y73S, Y96S, Y34S, Y93S.
Identifiers: ClinVar variation 521156 (VCV000521156.10), dbSNP rs772952625, ClinGen allele CA7435675.